The following is an entry in ClinVar:

ClinVar aggregate classification (germline): Uncertain significance (1 of 4 stars; one submission).

Submission:

Labcorp Genetics (formerly Invitae), Labcorp
Classification: Uncertain significance. Last evaluated: 2022-11-14. Review status: criteria provided, single submitter. Criteria: Invitae Variant Classification Sherloc (09022015). Collection method: clinical testing. Allele origin: germline.
Comment: ClinVar contains an entry for this variant (Variation ID: 1390568). In summary, the available evidence is currently insufficient to determine the role of this variant in disease. Therefore, it has been classified as a Variant of Uncertain Significance. Experimental studies and prediction algorithms are not available or were not evaluated, and the functional significance of this variant is currently unknown. This variant has not been reported in the literature in individuals affected with ACO2-related conditions. This variant is present in population databases (rs764315098, gnomAD 0.003%). This variant, c.1328_1357del, results in the deletion of 10 amino acid(s) of the ACO2 protein (p.Val443_Ile452del), but otherwise preserves the integrity of the reading frame.

NM_001098.3(ACO2):c.1328_1357del (p.Val443_Ile452del)

Gene: ACO2 (aconitase 2; plus strand). Cytogenetic location: 22q13.2.
Variant type: Deletion.
Coding change: c.1328_1357del on transcript NM_001098.3 (MANE Select); coding-DNA positions 1328 to 1357, 30 bases deleted (TCCTGGCCAATGCTTGTGGCCCCTGCATTG).
Protein change: p.Val443_Ile452del.
Molecular consequence: inframe deletion.
Genome position (GRCh38, 1-based): chr22:41,523,236-41,523,265, TCCTGGCCAATGCTTGTGGCCCCTGCATTG deleted; deleting any 30 consecutive bases within chr22:41,523,230-41,523,265 gives the same sequence; the c. name uses the placement nearest the transcript's 3' end. VCF-style (leftmost placement, unchanged base first): chr22-41523229-GGCATTGTCCTGGCCAATGCTTGTGGCCCCT-G. GRCh37 (hg19) VCF-style: chr22-41919233-GGCATTGTCCTGGCCAATGCTTGTGGCCCCT-G.
Identifiers: ClinVar variation 1390568 (VCV001390568.6), dbSNP rs764315098, ClinGen allele CA10257622.
Genomic context (GRCh38, chr22:41,523,229, plus strand): 5'-CACCCTTGACATTCTGTCTTCCTCTCTCCCTGGCAGGCACAGATCTTGAGGGATCTGGGT[GGCATTGTCCTGGCCAATGCTTGTGGCCCCT>G]GCATTGGCCAGTGGGACAGGTAAGAGGCGTATCTTTTGACAAGACAGCCCCTTGTGCACA-3'